The following is an entry in ClinVar:

ClinVar aggregate classification (germline): Uncertain significance (1 of 4 stars; one submission).

Conditions:
Malignant hyperthermia, susceptibility to, 5 (MHS5). Also called: CACNA1S-Related Malignant Hyperthermia Susceptibility. Identifiers: Orphanet 423, MedGen C1866077, MONDO:0011163, OMIM 601887.

Submission:

Color Diagnostics, LLC DBA Color Health
Classification: Uncertain significance for Malignant hyperthermia, susceptibility to, 5. Last evaluated: 2025-10-06. Review status: criteria provided, single submitter. Criteria: ACMG Guidelines, 2015. Collection method: clinical testing. Allele origin: germline.
Comment: This missense variant replaces methionine with valine at codon 1241 of the CACNA1S protein. Computational prediction is inconclusive regarding the impact of this variant on protein structure and function. To our knowledge, functional studies have not been reported for this variant. This variant has not been reported in individuals affected with CACNA1S-related disorders in the literature. This variant has not been identified in the general population by the Genome Aggregation Database (gnomAD). The available evidence is insufficient to determine the role of this variant in disease conclusively. Therefore, this variant is classified as a Variant of Uncertain Significance.

NM_000069.3(CACNA1S):c.3721A>G (p.Met1241Val)

Gene: CACNA1S (calcium voltage-gated channel subunit alpha1 S; minus strand). Cytogenetic location: 1q32.1.
Variant type: single nucleotide variant.
Coding change: c.3721A>G on transcript NM_000069.3 (MANE Select); coding-DNA position 3721, A replaced by G.
Protein change: p.Met1241Val; replaces methionine 1241 with valine.
Molecular consequence: missense variant.
Genome position (GRCh38, 1-based): chr1:201,053,533, T>C on the plus strand (A>G on the coding strand, the complement: CACNA1S is on the minus strand). VCF-style: chr1-201053533-T-C. GRCh37 (hg19) VCF-style: chr1-201022661-T-C.
Other names: short protein forms M1241V.
Identifiers: ClinVar variation 4758331 (VCV004758331.1).